The following is an entry in ClinVar:

ClinVar aggregate classification (germline): Likely benign (1 of 4 stars; one submission).

gnomAD v4.1: 41 of 1,502,380 alleles (0.0027%); highest among the groups gnomAD compares: African/African-American, 0.043%; no homozygotes.

Submission:

CeGaT Center for Human Genetics Tuebingen
Classification: Likely benign. Last evaluated: 2025-07-01. Review status: criteria provided, single submitter. Criteria: CeGaT Center For Human Genetics Tuebingen Variant Classification Criteria Version 2. Collection method: clinical testing. Allele origin: germline. Affected: yes. Observed: 1 variant allele.
Comment: PRKACB: BP4, BS2

NM_182948.4(PRKACB):c.501T>A (p.Val167=)

Gene: PRKACB (protein kinase cAMP-activated catalytic subunit beta; plus strand). Cytogenetic location: 1p31.1.
Variant type: single nucleotide variant.
Coding change: c.501T>A on transcript NM_182948.4 (MANE Select); coding-DNA position 501, T replaced by A.
Protein change: p.Val167=; no amino-acid change (valine 167 retained).
Molecular consequence: synonymous variant.
Genome position (GRCh38, 1-based): chr1:84,185,123, T>A. VCF-style: chr1-84185123-T-A. GRCh37 (hg19) VCF-style: chr1-84650806-T-A.
Other names: c.381T>A, p.Val127= (NM_001242857.3, NM_001375569.1, NM_001375581.1); c.324T>A, p.Val108= (NM_001242858.3, NM_001300917.2, NM_001375578.1); c.372T>A, p.Val124= (NM_001242859.3, NM_001375572.1); c.378T>A, p.Val126= (NM_001242860.3, NM_001300915.2, NM_001375571.1); c.270T>A, p.Val90= (NM_001242861.3); c.321T>A, p.Val107= (NM_001242862.3, NM_001375565.1, NM_001375579.1 and 1 more transcripts); c.501T>A, p.Val167= (NM_001300916.2); c.369T>A, p.Val123= (NM_001375560.1, NM_001375573.1, NM_001375575.1); and 5 more.
Identifiers: ClinVar variation 4084512 (VCV004084512.8).